The following is an entry in ClinVar:

ClinVar aggregate classification (germline): Pathogenic (1 of 4 stars; one submission).

Conditions:
Jeune thoracic dystrophy. Also called: Infantile thoracic dystrophy; Thoracic pelvic phalangeal dystrophy; Jeune's syndrome; Chondroectodermal dysplasia-like syndrome; Short-rib thoracic dysplasia; Jeune syndrome. Identifiers: Orphanet 474, MedGen C0265275, MONDO:0018770.

Submission:

Labcorp Genetics (formerly Invitae), Labcorp
Classification: Pathogenic for Jeune thoracic dystrophy. Last evaluated: 2023-06-09. Review status: criteria provided, single submitter. Criteria: Invitae Variant Classification Sherloc (09022015). Collection method: clinical testing. Allele origin: germline.
Comment: For these reasons, this variant has been classified as Pathogenic. This sequence change creates a premature translational stop signal (p.Trp2215*) in the DYNC2H1 gene. It is expected to result in an absent or disrupted protein product. Loss-of-function variants in DYNC2H1 are known to be pathogenic (PMID: 23339108, 32753734). This variant is not present in population databases (gnomAD no frequency). This variant has not been reported in the literature in individuals affected with DYNC2H1-related conditions.

Literature cited by the submitters: PubMed 23339108; PubMed 32753734.

NM_001377.3(DYNC2H1):c.6645G>A (p.Trp2215Ter)

Gene: DYNC2H1 (dynein cytoplasmic 2 heavy chain 1; plus strand). Cytogenetic location: 11q22.3.
Variant type: single nucleotide variant.
Coding change: c.6645G>A on transcript NM_001377.3 (MANE Select); coding-DNA position 6645, G replaced by A.
Protein change: p.Trp2215Ter; replaces tryptophan 2215 with a stop codon.
Molecular consequence: nonsense.
Genome position (GRCh38, 1-based): chr11:103,186,253, G>A. VCF-style: chr11-103186253-G-A. GRCh37 (hg19) VCF-style: chr11-103056982-G-A.
Other names: c.6645G>A, p.Trp2215Ter (NM_001080463.2); short protein forms W2215*.
Identifiers: ClinVar variation 2702930 (VCV002702930.3), dbSNP rs2496279393, ClinGen allele CA382249857.